The following is an entry in ClinVar:

ClinVar aggregate classification (germline): Pathogenic (0 of 4 stars; one submission).

Submission:

Center for Precision Genome Editing and Genetic Technologies for Biomedicine, Pirogov Russian National Research Medical University
Classification: Pathogenic. Last evaluated: 2024-07-08. Review status: no assertion criteria provided. Collection method: research. Allele origin: de novo. Inheritance: Sporadic. Affected: yes. Observed: 1 heterozygote.
Comment: We classified this CNV as Pathogenic regarding criteria. 1-A Contains protein-coding or other known functionally important elements, 2A - Overlap with established HI/LOF-sensitive genes or genomic regions, 2H - Haploinsufficient predictors suggest that AT LEAST ONE gene in the interval is haploinsufficient (HI), 3C - Number of protein-coding RefSeq genes wholly or partially included in the CNV region is 35 or more, 4L - Case-control and population evidence. [Riggs ER, Andersen EF, Cherry AM, et al. Technical standards for the interpretation and reporting of constitutional copy-number variants: a joint consensus recommendation of the American College of Medical Genetics and Genomics (ACMG) and the Clinical Genome Resource (ClinGen) [published correction appears in Genet Med. 2021 Nov;23(11):2230. doi: 10.1038/s41436-021-01150-9]. Genet Med. 2020;22(2):245-257. doi:10.1038/s41436-019-0686-8]

Single allele

Genes: ACTR1A (actin related protein 1A; minus strand), ARL3 (ARF like GTPase 3; minus strand), ARMH3 (armadillo like helical domain containing 3; minus strand), AS3MT (arsenite methyltransferase; plus strand), BORCS7 (BLOC-1 related complex subunit 7; plus strand) and 32 more. Cytogenetic location: 10q24.31-24.33.
Variant type: Deletion.
Identifiers: ClinVar variation 3342255 (VCV003342255.2).